The following is an entry in ClinVar:

NM_012144.4(DNAI1):c.944_947dup (p.Thr318fs)

Gene: DNAI1 (dynein axonemal intermediate chain 1; plus strand). Cytogenetic location: 9p13.3.
Variant type: Duplication.
Coding change: c.944_947dup on transcript NM_012144.4 (MANE Select); coding-DNA positions 944 to 947, 4 bases duplicated (AGGT; older notation c.944_947dupAGGT).
Protein change: p.Thr318fs; shifts the reading frame from threonine 318.
Molecular consequence: frameshift variant.
Genome position (GRCh38, 1-based): chr9:34,500,764-34,500,767, AGGT duplicated. VCF-style (leftmost placement, unchanged base first): chr9-34500763-C-CAGGT. GRCh37 (hg19) VCF-style: chr9-34500761-C-CAGGT.
Other names: c.956_959dup, p.Thr322fs (NM_001281428.2); short protein forms T322fs, T318fs.
Identifiers: ClinVar variation 2839748 (VCV002839748.3), dbSNP rs2492072291, ClinGen allele CA2739269215.
Genomic context (GRCh38, chr9:34,500,763, plus strand): 5'-CTGCCTGTGTGTGTTTAAGATTTTAAGTACTATGACGATGCTGCTGATGAATACCGGGAC[C>CAGGT]AGGTGGGTACCCTGCTGCCGCTCTGGAAGTTCCAAAATGACAAAGCCAAGCGCCTGTCCG-3'

ClinVar aggregate classification (germline): Pathogenic (1 of 4 stars; one submission).

Conditions:
Primary ciliary dyskinesia. Also called: Ciliary dyskinesia. Identifiers: Orphanet 244, MedGen C0008780, MONDO:0016575, HP:0012265.

Submission:

Labcorp Genetics (formerly Invitae), Labcorp
Classification: Pathogenic for Primary ciliary dyskinesia. Last evaluated: 2023-02-22. Review status: criteria provided, single submitter. Criteria: Invitae Variant Classification Sherloc (09022015). Collection method: clinical testing. Allele origin: germline.
Comment: For these reasons, this variant has been classified as Pathogenic. Algorithms developed to predict the effect of sequence changes on RNA splicing suggest that this variant may disrupt the consensus splice site. This variant has not been reported in the literature in individuals affected with DNAI1-related conditions. This variant is not present in population databases (gnomAD no frequency). This sequence change creates a premature translational stop signal (p.Thr318Glyfs*12) in the DNAI1 gene. It is expected to result in an absent or disrupted protein product. Loss-of-function variants in DNAI1 are known to be pathogenic (PMID: 16858015, 29363216).

Literature cited by the submitters: PubMed 16858015; PubMed 29363216.